The following is an entry in ClinVar:

NM_001369.3(DNAH5):c.13446_13447insTATAAGAGACAGT (p.Thr4483fs)

Gene: DNAH5 (dynein axonemal heavy chain 5; minus strand). Cytogenetic location: 5p15.2.
Variant type: Insertion.
Coding change: c.13446_13447insTATAAGAGACAGT on transcript NM_001369.3 (MANE Select); coding-DNA positions 13446 to 13447, TATAAGAGACAGT inserted.
Protein change: p.Thr4483fs; shifts the reading frame from threonine 4483.
Molecular consequence: frameshift variant.
Genome position: GRCh38 VCF-style: chr5-13701328-T-TACTGTCTCTTATA. GRCh37 (hg19) VCF-style: chr5-13701437-T-TACTGTCTCTTATA.
Other names: short protein forms T4483fs.
Identifiers: ClinVar variation 5011101 (VCV005011101.1).

ClinVar aggregate classification (germline): Pathogenic (1 of 4 stars; one submission).

Conditions:
Primary ciliary dyskinesia 3. Identifiers: Orphanet 244, MedGen C1837618, MONDO:0012085, OMIM 608644.

Submission:

Myriad Genetics, Inc.
Classification: Pathogenic for Primary ciliary dyskinesia 3. Last evaluated: 2024-05-14. Review status: criteria provided, single submitter. Criteria: Myriad Autosomal Dominant, Autosomal Recessive and X-Linked Classification Criteria (2023). Collection method: clinical testing. Allele origin: unknown.
Comment: NM_001369.2(DNAH5):c.13446_13447ins13(T4483Yfs*9) is expected to be pathogenic in the context of primary ciliary dyskinesia, DNAH5-related. This variant is predicted to lead to an abnormal or absent protein product due to the creation of a premature termination codon in DNAH5, a gene where loss-of-function variants are known to be pathogenic. Please note: this variant was assessed in the context of healthy population screening.